The following is an entry in ClinVar:

ClinVar aggregate classification (germline): Pathogenic (1 of 4 stars; one submission).

Conditions:
Cardiovascular phenotype. Identifiers: MedGen CN230736.

Submission:

Ambry Genetics
Classification: Pathogenic for Cardiovascular phenotype. Last evaluated: 2016-09-24. Review status: criteria provided, single submitter. Criteria: Ambry Variant Classification Scheme 2023. Collection method: clinical testing. Allele origin: germline.
Comment: The c.811_812insA pathogenic mutation, located in coding exon 4 of the KCNH2 gene, results from an insertion of one nucleotide at position 811, causing a translational frameshift with a predicted alternate stop codon (p.R271Qfs*61). This alteration is expected to result in loss of function by premature protein truncation or nonsense-mediated mRNA decay. As such, this alteration is interpreted as a disease-causing mutation.

NM_000238.4(KCNH2):c.811_812insA (p.Arg271fs)

Gene: KCNH2 (potassium voltage-gated channel subfamily H member 2; minus strand). Cytogenetic location: 7q36.1.
Variant type: Insertion.
Coding change: c.811_812insA on transcript NM_000238.4 (MANE Select); coding-DNA positions 811 to 812, A inserted.
Protein change: p.Arg271fs; shifts the reading frame from arginine 271.
Molecular consequence: frameshift variant.
Genome position: GRCh38 VCF-style: chr7-150958163-C-CT. GRCh37 (hg19) VCF-style: chr7-150655251-C-CT.
Other names: c.523_524insA, p.Arg175Glnfs (NM_001406753.1, NM_001406756.1); c.634_635insA, p.Arg212Glnfs (NM_001406755.1); c.511_512insA, p.Arg171Glnfs (NM_001406757.1); c.811_812insA, p.Arg271Glnfs (NM_172056.3); short protein forms R271fs.
Identifiers: ClinVar variation 519329 (VCV000519329.7), dbSNP rs1554427692, ClinGen allele CA658797047.